The following is an entry in ClinVar:

ClinVar aggregate classification (germline): Uncertain significance (1 of 4 stars; one submission).

Conditions:
Combined immunodeficiency due to OX40 deficiency. Also called: OX40 DEFICIENCY; Immunodeficiency 16. Identifiers: Orphanet 431149, MedGen C3810053, MONDO:0014268, OMIM 615593.

Submission:

Labcorp Genetics (formerly Invitae), Labcorp
Classification: Uncertain significance for Combined immunodeficiency due to OX40 deficiency. Last evaluated: 2022-05-19. Review status: criteria provided, single submitter. Criteria: Invitae Variant Classification Sherloc (09022015). Collection method: clinical testing. Allele origin: germline.
Comment: This sequence change falls in intron 3 of the TNFRSF4 gene. It does not directly change the encoded amino acid sequence of the TNFRSF4 protein. This variant is not present in population databases (gnomAD no frequency). This variant has not been reported in the literature in individuals affected with TNFRSF4-related conditions. Algorithms developed to predict the effect of sequence changes on RNA splicing suggest that this variant may disrupt the consensus splice site. In summary, the available evidence is currently insufficient to determine the role of this variant in disease. Therefore, it has been classified as a Variant of Uncertain Significance.

NM_003327.4(TNFRSF4):c.371-5T>G

Gene: TNFRSF4 (TNF receptor superfamily member 4; minus strand). Cytogenetic location: 1p36.33.
Variant type: single nucleotide variant.
Coding change: c.371-5T>G on transcript NM_003327.4 (MANE Select); 5 bases into the intron before coding-DNA position 371, T replaced by G.
Molecular consequence: intron variant.
Genome position (GRCh38, 1-based): chr1:1,212,709, A>C on the plus strand (T>G on the coding strand, the complement: TNFRSF4 is on the minus strand). VCF-style: chr1-1212709-A-C. GRCh37 (hg19) VCF-style: chr1-1148089-A-C.
Identifiers: ClinVar variation 1990614 (VCV001990614.4), dbSNP rs2521766733, ClinGen allele CA2580060514.
Genomic context (GRCh38, chr1:1,212,709, plus strand): 5'-CTTGCAGGCCTGGTTGTCGCCTGGGGAGAAGTGCCCTGGAGGGCAGGGGGCACAGTCTGC[A>C]ACAAAGATAGGGTGGTCAGGGGCTGCCCACAGGCCCCGGGTGCTGGGGACATGGGGCAGA-3'